The following is an entry in ClinVar:

NM_006415.4(SPTLC1):c.1055C>T (p.Ala352Val)

Gene: SPTLC1 (serine palmitoyltransferase long chain base subunit 1; minus strand). Cytogenetic location: 9q22.31.
Variant type: single nucleotide variant.
Coding change: c.1055C>T on transcript NM_006415.4 (MANE Select); coding-DNA position 1055, C replaced by T.
Protein change: p.Ala352Val; replaces alanine 352 with valine.
Molecular consequence: missense variant.
Genome position (GRCh38, 1-based): chr9:92,047,198, G>A on the plus strand (C>T on the coding strand, the complement: SPTLC1 is on the minus strand). VCF-style: chr9-92047198-G-A. GRCh37 (hg19) VCF-style: chr9-94809480-G-A.
Other names: c.1055C>T, p.Ala352Val (NM_001281303.2, LRG_272t1); c.689C>T, p.Ala230Val (NM_001368272.1); c.590C>T, p.Ala197Val (NM_001368273.1); short protein forms A352V, A230V, A197V.
Identifiers: ClinVar variation 4805 (VCV000004805.11), dbSNP rs267607088, ClinGen allele CA253295.
Genomic context (GRCh38, chr9:92,047,198, plus strand): 5'-CTCTTTGATTCCTTGGGTTTTTAAAGGGTTATACCTGGATTCTCTTCCATGATGTTGAGG[G>A]CCTCAATTGCTGCAGCAGCTAACAGGGGAGGTAACGAAGCTGAAAAGCAGTATCCCTGGC-3'
Protein context (NP_006406.1, residues 342-362): PPLLAAAAIE[Ala352Val]LNIMEENPGI

ClinVar aggregate classification (germline): Uncertain significance. Review status: criteria provided, single submitter (1 of 4 stars). 2 submissions from 2 submitters: Uncertain significance (1). 1 of the submissions does not count toward it. Last evaluated 2024-02-02.

Conditions:
Neuropathy, hereditary sensory and autonomic, type 1A (HSAN1A). Also called: NEUROPATHY, HEREDITARY SENSORY AND AUTONOMIC, TYPE IA; SPTLC1-Related Hereditary Sensory Neuropathy; HSAN IA; HSN IA; NEUROPATHY, HEREDITARY SENSORY RADICULAR, AUTOSOMAL DOMINANT, TYPE 1A. Identifiers: MedGen C5235211, MONDO:0008086, OMIM 162400.
Hereditary sensory and autonomic neuropathy type 1 (HSAN1). Also called: HSN Type I; HSAN 1; Hereditary Sensory Neuropathy Type I. Identifiers: Orphanet 36386, MedGen C0020071, MONDO:0018213.

Allele frequency attached by ClinVar (database versions not stated): TOPMed below 0.00001; ExAC 0.00001; gnomAD exomes below 0.00001.

Submissions (2):

Labcorp Genetics (formerly Invitae), Labcorp
Classification: Uncertain significance for Hereditary sensory and autonomic neuropathy type 1. Last evaluated: 2024-02-02. Review status: criteria provided, single submitter. Criteria: Invitae Variant Classification Sherloc (09022015). Collection method: clinical testing. Allele origin: germline.
Comment: This sequence change replaces alanine, which is neutral and non-polar, with valine, which is neutral and non-polar, at codon 352 of the SPTLC1 protein (p.Ala352Val). This variant is present in population databases (rs267607088, gnomAD 0.0009%). This missense change has been observed in individual(s) with hereditary sensory and autonomic neuropathy (PMID: 19651702). ClinVar contains an entry for this variant (Variation ID: 4805). Advanced modeling of protein sequence and biophysical properties (such as structural, functional, and spatial information, amino acid conservation, physicochemical variation, residue mobility, and thermodynamic stability) performed at Invitae indicates that this missense variant is not expected to disrupt SPTLC1 protein function with a negative predictive value of 80%. Experimental studies are conflicting or provide insufficient evidence to determine the effect of this variant on SPTLC1 function (PMID: 21618344, 26681808). In summary, the available evidence is currently insufficient to determine the role of this variant in disease. Therefore, it has been classified as a Variant of Uncertain Significance.

OMIM
Classification: Pathogenic for NEUROPATHY, HEREDITARY SENSORY, TYPE IA. Last evaluated: 2009-10-01. Review status: no assertion criteria provided. Collection method: literature only. Allele origin: germline. Not counted in ClinVar's aggregate classification.

Literature cited by the submitters: PubMed 19651702 (cited by Labcorp Genetics (formerly Invitae), Labcorp and OMIM); PubMed 21618344 (cited by Labcorp Genetics (formerly Invitae), Labcorp); PubMed 26681808 (cited by Labcorp Genetics (formerly Invitae), Labcorp and OMIM).